The following is an entry in ClinVar:

NM_000182.5(HADHA):c.858G>A (p.Val286=)

Gene: HADHA (hydroxyacyl-CoA dehydrogenase trifunctional multienzyme complex subunit alpha; minus strand). Cytogenetic location: 2p23.3.
Variant type: single nucleotide variant.
Coding change: c.858G>A on transcript NM_000182.5 (MANE Select); coding-DNA position 858, G replaced by A.
Protein change: p.Val286=; no amino-acid change (valine 286 retained).
Molecular consequence: synonymous variant.
Genome position (GRCh38, 1-based): chr2:26,214,503, C>T on the plus strand (G>A on the coding strand, the complement: HADHA is on the minus strand). VCF-style: chr2-26214503-C-T. GRCh37 (hg19) VCF-style: chr2-26437372-C-T.
Identifiers: ClinVar variation 335383 (VCV000335383.18), dbSNP rs373864418, ClinGen allele CA1559764.

ClinVar aggregate classification (germline): Conflicting classifications of pathogenicity. Review status: criteria provided, conflicting classifications (1 of 4 stars). 5 submissions from 4 submitters: Uncertain significance (2); Likely benign (2). 1 of the submissions does not count toward it. Last evaluated 2026-01-20.

Conditions:
Mitochondrial trifunctional protein deficiency. Identifiers: Orphanet 746, MedGen C1969443, MONDO:0012172.
Long chain 3-hydroxyacyl-CoA dehydrogenase deficiency. Also called: Deficiency of long-chain 3-hydroxyacyl-coenzyme A dehydrogenase; LCHAD Deficiency. Identifiers: Orphanet 5, MedGen C3711645, MONDO:0012173, OMIM 609016.
HADHA-related disorder. Also called: HADHA-related condition; HADHA-related disorders.

Allele frequency attached by ClinVar (database versions not stated): gnomAD exomes 0.00002 and 0.00003; ExAC 0.00003; gnomAD 0.00004 and 0.00007; TOPMed 0.00007.
gnomAD v4.1: 66 of 1,609,586 alleles (0.0041%); highest among the groups gnomAD compares: East Asian, 0.058%; 1 homozygote.

Submissions (5):

Labcorp Genetics (formerly Invitae), Labcorp
Classification: Likely benign for Mitochondrial trifunctional protein deficiency; Long chain 3-hydroxyacyl-CoA dehydrogenase deficiency. Last evaluated: 2026-01-20. Review status: criteria provided, single submitter. Criteria: Invitae Variant Classification Sherloc (09022015). Collection method: clinical testing. Allele origin: germline.

Blueprint Genetics
Classification: Likely benign. Last evaluated: 2024-10-16. Review status: criteria provided, single submitter. Criteria: ACMG Guidelines, 2015. Collection method: clinical testing. Allele origin: germline.

Illumina Laboratory Services, Illumina
Classification: Uncertain significance for Mitochondrial trifunctional protein deficiency 1. Last evaluated: 2018-01-13. Review status: criteria provided, single submitter. Criteria: ICSL Variant Classification Criteria 13 December 2019. Collection method: clinical testing. Allele origin: germline.

Illumina Laboratory Services, Illumina
Classification: Uncertain significance for Long chain 3-hydroxyacyl-CoA dehydrogenase deficiency. Last evaluated: 2018-01-13. Review status: criteria provided, single submitter. Criteria: ICSL Variant Classification Criteria 13 December 2019. Collection method: clinical testing. Allele origin: germline.

PreventionGenetics, part of Exact Sciences
Classification: Likely benign for HADHA-related condition. Last evaluated: 2019-02-20. Review status: no assertion criteria provided. Collection method: clinical testing. Allele origin: germline. Not counted in ClinVar's aggregate classification.
Comment: This variant is classified as likely benign based on ACMG/AMP sequence variant interpretation guidelines (Richards et al. 2015 PMID: 25741868, with internal and published modifications).